The following is an entry in ClinVar:

NM_018136.5(ASPM):c.5992C>T (p.Leu1998Phe)

Gene: ASPM (assembly factor for spindle microtubules; minus strand). Cytogenetic location: 1q31.3.
Variant type: single nucleotide variant.
Coding change: c.5992C>T on transcript NM_018136.5 (MANE Select); coding-DNA position 5992, C replaced by T.
Protein change: p.Leu1998Phe; replaces leucine 1998 with phenylalanine.
Molecular consequence: missense variant. On other transcripts: intron variant (1).
Genome position (GRCh38, 1-based): chr1:197,103,259, G>A on the plus strand (C>T on the coding strand, the complement: ASPM is on the minus strand). VCF-style: chr1-197103259-G-A. GRCh37 (hg19) VCF-style: chr1-197072389-G-A.
Other names: c.4066-7095C>T (NM_001206846.2); c.5992C>T (NM_018136.4); short protein forms L1998F.
Identifiers: ClinVar variation 2909796 (VCV002909796.4), dbSNP rs138523171, ClinGen allele CA1309648.
Genomic context (GRCh38, chr1:197,103,259, plus strand): 5'-AATATAAATGATTCTGTTCTCTTCCAATACTGTAAGCCCTATAATACTTTTGAATCAGAA[G>A]AGCAGCTTTTTTCATGATTTTCCACTTCTTTTGTTGCACATGCATTCTATAGTATGACTG-3'
Protein context (NP_060606.3, residues 1988-2008): KKWKIMKKAA[Leu1998Phe]LIQKYYRAYS

ClinVar aggregate classification (germline): Uncertain significance. Review status: criteria provided, multiple submitters, no conflicts (2 of 4 stars). 2 submissions from 2 submitters: Uncertain significance (2). Last evaluated 2025-04-11.

Conditions:
Inborn genetic diseases. Identifiers: MedGen C0950123, MeSH D030342.

Allele frequency attached by ClinVar (database versions not stated): gnomAD exomes 0.00001; ExAC 0.00002; gnomAD 0.00003; TOPMed 0.00004; ESP Exome Variant Server 0.00008.
gnomAD v4.1: 12 of 1,612,704 alleles (0.00074%); highest among the groups gnomAD compares: African/African-American, 0.0067%; no homozygotes.

Submissions (2):

Ambry Genetics
Classification: Uncertain significance for Inborn genetic diseases. Last evaluated: 2025-04-11. Review status: criteria provided, single submitter. Criteria: Ambry Variant Classification Scheme 2023. Collection method: clinical testing. Allele origin: germline.

Labcorp Genetics (formerly Invitae), Labcorp
Classification: Uncertain significance. Last evaluated: 2023-09-30. Review status: criteria provided, single submitter. Criteria: Invitae Variant Classification Sherloc (09022015). Collection method: clinical testing. Allele origin: germline.
Comment: This sequence change replaces leucine, which is neutral and non-polar, with phenylalanine, which is neutral and non-polar, at codon 1998 of the ASPM protein (p.Leu1998Phe). This variant is present in population databases (rs138523171, gnomAD 0.008%). This variant has not been reported in the literature in individuals affected with ASPM-related conditions. Advanced modeling of protein sequence and biophysical properties (such as structural, functional, and spatial information, amino acid conservation, physicochemical variation, residue mobility, and thermodynamic stability) performed at Invitae indicates that this missense variant is not expected to disrupt ASPM protein function. In summary, the available evidence is currently insufficient to determine the role of this variant in disease. Therefore, it has been classified as a Variant of Uncertain Significance.